The following is an entry in ClinVar:

NM_012123.4(MTO1):c.667C>T (p.Gln223Ter)

Gene: MTO1 (mitochondrial tRNA translation optimization 1; plus strand). Cytogenetic location: 6q13.
Variant type: single nucleotide variant.
Coding change: c.667C>T on transcript NM_012123.4 (MANE Select); coding-DNA position 667, C replaced by T.
Protein change: p.Gln223Ter; replaces glutamine 223 with a stop codon.
Molecular consequence: nonsense.
Genome position (GRCh38, 1-based): chr6:73,473,496, C>T. VCF-style: chr6-73473496-C-T. GRCh37 (hg19) VCF-style: chr6-74183219-C-T.
Other names: c.667C>T, p.Gln223Ter (NM_001123226.2, NM_133645.3); short protein forms Q223*.
Identifiers: ClinVar variation 1073223 (VCV001073223.7), dbSNP rs2150031480, ClinGen allele CA364713792.

ClinVar aggregate classification (germline): Pathogenic (1 of 4 stars; one submission).

Conditions:
Mitochondrial hypertrophic cardiomyopathy with lactic acidosis due to MTO1 deficiency. Also called: CARDIOMYOPATHY, INFANTILE HYPERTROPHIC MITOCHONDRIAL, AND LACTIC ACIDOSIS; Combined oxidative phosphorylation deficiency 10. Identifiers: Orphanet 314637, MedGen C4749921, MONDO:0013865, OMIM 614702.

Submission:

Labcorp Genetics (formerly Invitae), Labcorp
Classification: Pathogenic for Mitochondrial hypertrophic cardiomyopathy with lactic acidosis due to MTO1 deficiency. Last evaluated: 2020-03-19. Review status: criteria provided, single submitter. Criteria: Invitae Variant Classification Sherloc (09022015). Collection method: clinical testing. Allele origin: germline.
Comment: This sequence change creates a premature translational stop signal (p.Gln223*) in the MTO1 gene. It is expected to result in an absent or disrupted protein product. This variant is not present in population databases (ExAC no frequency). This variant has not been reported in the literature in individuals with MTO1-related conditions. Loss-of-function variants in MTO1 are known to be pathogenic (PMID: 22608499, 25058219). For these reasons, this variant has been classified as Pathogenic.

Literature cited by the submitters: PubMed 22608499; PubMed 25058219.